The following is an entry in ClinVar:

NM_001287.6(CLCN7):c.1786G>A (p.Val596Ile)

Gene: CLCN7 (Cl-/H+ antiporter 7; minus strand). Cytogenetic location: 16p13.3.
Variant type: single nucleotide variant.
Coding change: c.1786G>A on transcript NM_001287.6 (MANE Select); coding-DNA position 1786, G replaced by A.
Protein change: p.Val596Ile; replaces valine 596 with isoleucine.
Molecular consequence: missense variant.
Genome position (GRCh38, 1-based): chr16:1,448,977, C>T on the plus strand (G>A on the coding strand, the complement: CLCN7 is on the minus strand). VCF-style: chr16-1448977-C-T. GRCh37 (hg19) VCF-style: chr16-1498978-C-T.
Other names: c.1714G>A, p.Val572Ile (NM_001114331.3); short protein forms V596I, V572I.
Identifiers: ClinVar variation 1910710 (VCV001910710.8), dbSNP rs200121444, ClinGen allele CA7810083.
Genomic context (GRCh38, chr16:1,448,977, plus strand): 5'-TATGGCAGCACCCACGCTCTCAGGGTGAGGCTTCGAGGCCCTGGCGCACCTCAATGAAGA[C>T]GTCGCCCACGATCTTGGCGGTCATGAGCACCAGCATGATGGGGAAGCCGTAGGTCACGTT-3'
Protein context (NP_001278.1, residues 586-606): VLMTAKIVGD[Val596Ile]FIEGLYDMHI

ClinVar aggregate classification (germline): Conflicting classifications of pathogenicity. Review status: criteria provided, conflicting classifications (1 of 4 stars). 3 submissions from 3 submitters: Uncertain significance (1); Likely benign (2). Last evaluated 2026-03-03.

Conditions:
Inborn genetic diseases. Identifiers: MedGen C0950123, MeSH D030342.

Allele frequency attached by ClinVar (database versions not stated): gnomAD 0.00004; TOPMed 0.00005; ExAC 0.00008; ESP Exome Variant Server 0.00008; 1000 Genomes Project 30x 0.00016; 1000 Genomes Project 0.00020.
gnomAD v4.1: 49 of 1,612,636 alleles (0.003%); highest among the groups gnomAD compares: East Asian, 0.042%; no homozygotes.

Submissions (3):

Women's Health and Genetics/Laboratory Corporation of America, LabCorp
Classification: Likely benign. Last evaluated: 2026-03-03. Review status: criteria provided, single submitter. Criteria: LabCorp Variant Classification Summary - May 2015. Collection method: clinical testing. Allele origin: germline.
Comment: Variant summary: CLCN7 c.1786G>A (p.Val596Ile) results in a conservative amino acid change in the encoded protein sequence. Algorithms developed to predict the effect of missense changes on protein structure and function all suggest that this variant is likely to be tolerated. The variant allele was found at a frequency of 6e-05 in 249582 control chromosomes. The observed variant frequency exceeds the estimated maximal expected allele frequency for disease-causing variants in CLCN7. To our knowledge, no occurrence of c.1786G>A in individuals affected with CLCN7-related conditions and no experimental evidence demonstrating its impact on protein function have been reported. ClinVar contains an entry for this variant (Variation ID: 1910710). Based on the evidence outlined above, the variant was classified as likely benign.

Labcorp Genetics (formerly Invitae), Labcorp
Classification: Likely benign. Last evaluated: 2026-01-24. Review status: criteria provided, single submitter. Criteria: Invitae Variant Classification Sherloc (09022015). Collection method: clinical testing. Allele origin: germline.

Ambry Genetics
Classification: Uncertain significance for Inborn genetic diseases. Last evaluated: 2025-08-07. Review status: criteria provided, single submitter. Criteria: Ambry Variant Classification Scheme 2023. Collection method: clinical testing. Allele origin: germline.